The following is an entry in ClinVar:

ClinVar aggregate classification (germline): Uncertain significance. Review status: criteria provided, multiple submitters, no conflicts (2 of 4 stars). 4 submissions from 4 submitters: Uncertain significance (4). Last evaluated 2025-12-30.

Conditions:
Hereditary cancer-predisposing syndrome. Also called: Tumor predisposition; Hereditary neoplastic syndrome; Hereditary Cancer Syndrome; Neoplastic Syndromes, Hereditary. Identifiers: Orphanet 140162, MedGen C0027672, MeSH D009386, MONDO:0015356.
Familial adenomatous polyposis 1 (FAP1). Also called: FAMILIAL ADENOMATOUS POLYPOSIS 1, ATTENUATED; POLYPOSIS, ADENOMATOUS INTESTINAL. Identifiers: MedGen C2713442, MONDO:0021056, OMIM 175100. Disease mechanism: loss of function.

Allele frequency attached by ClinVar (database versions not stated): TOPMed below 0.00001.
gnomAD v4.1: 3 of 1,614,132 alleles (0.00019%); highest among the groups gnomAD compares: Non-Finnish European, 0.00025%; no homozygotes.

Submissions (4):

Ambry Genetics
Classification: Uncertain significance for Hereditary cancer-predisposing syndrome. Last evaluated: 2025-12-30. Review status: criteria provided, single submitter. Criteria: Ambry Variant Classification Scheme 2023. Collection method: clinical testing. Allele origin: germline.

Labcorp Genetics (formerly Invitae), Labcorp
Classification: Uncertain significance for Familial adenomatous polyposis 1. Last evaluated: 2025-11-04. Review status: criteria provided, single submitter. Criteria: Invitae Variant Classification Sherloc (09022015). Collection method: clinical testing. Allele origin: germline.
Comment: This sequence change replaces asparagine, which is neutral and polar, with serine, which is neutral and polar, at codon 775 of the APC protein (p.Asn775Ser). This variant is not present in population databases (gnomAD no frequency). This variant has not been reported in the literature in individuals affected with APC-related conditions. ClinVar contains an entry for this variant (Variation ID: 924156). Invitae Evidence Modeling of protein sequence and biophysical properties (such as structural, functional, and spatial information, amino acid conservation, physicochemical variation, residue mobility, and thermodynamic stability) indicates that this missense variant is not expected to disrupt APC protein function with a negative predictive value of 95%. In summary, the available evidence is currently insufficient to determine the role of this variant in disease. Therefore, it has been classified as a Variant of Uncertain Significance.

Color Diagnostics, LLC DBA Color Health
Classification: Uncertain significance for Hereditary cancer-predisposing syndrome. Last evaluated: 2025-05-13. Review status: criteria provided, single submitter. Criteria: ACMG Guidelines, 2015. Collection method: clinical testing. Allele origin: germline.
Comment: This missense variant replaces asparagine with serine at codon 775 of the APC protein. Computational prediction suggests that this variant may not impact protein structure and function. To our knowledge, functional studies have not been reported for this variant. This variant has not been reported in individuals affected with APC-related disorders in the literature. This variant has not been identified in the general population by the Genome Aggregation Database (gnomAD). The available evidence is insufficient to determine the role of this variant in disease conclusively. Therefore, this variant is classified as a Variant of Uncertain Significance.

GeneDx
Classification: Uncertain significance. Last evaluated: 2023-05-05. Review status: criteria provided, single submitter. Criteria: GeneDx Variant Classification Process June 2021. Collection method: clinical testing. Allele origin: germline. Affected: yes.
Comment: Not observed in large population cohorts (gnomAD); In silico analysis, which includes protein predictors and evolutionary conservation, supports that this variant does not alter protein structure/function; Has not been previously published as pathogenic or benign to our knowledge; This variant is associated with the following publications: (PMID: 28481359)

NM_000038.6(APC):c.2324A>G (p.Asn775Ser)

Gene: APC (APC regulator of Wnt signaling pathway; plus strand). Cytogenetic location: 5q22.2.
Variant type: single nucleotide variant.
Coding change: c.2324A>G on transcript NM_000038.6 (MANE Select); coding-DNA position 2324, A replaced by G.
Protein change: p.Asn775Ser; replaces asparagine 775 with serine.
Molecular consequence: missense variant.
Genome position (GRCh38, 1-based): chr5:112,837,918, A>G. VCF-style: chr5-112837918-A-G. GRCh37 (hg19) VCF-style: chr5-112173615-A-G.
Other names: c.2324A>G, p.Asn775Ser (NM_001127510.3, NM_001354895.2); c.2270A>G, p.Asn757Ser (NM_001127511.3); c.2378A>G, p.Asn793Ser (NM_001354896.2); c.2354A>G, p.Asn785Ser (NM_001354897.2); c.2249A>G, p.Asn750Ser (NM_001354898.2); c.2240A>G, p.Asn747Ser (NM_001354899.2); c.2201A>G, p.Asn734Ser (NM_001354900.2); c.2147A>G, p.Asn716Ser (NM_001354901.2); and 5 more; short protein forms N684S, N757S, N775S, N615S, N747S, N492S, N649S, N785S.
Identifiers: ClinVar variation 924156 (VCV000924156.13), dbSNP rs1356979249, ClinGen allele CA16026429.